The following is an entry in ClinVar:

NM_001127198.5(TMC6):c.1082+5T>C

Gene: TMC6 (transmembrane channel like 6; minus strand). Cytogenetic location: 17q25.3.
Variant type: single nucleotide variant.
Coding change: c.1082+5T>C on transcript NM_001127198.5 (MANE Select); 5 bases into the intron after coding-DNA position 1082, T replaced by C.
Molecular consequence: intron variant.
Genome position (GRCh38, 1-based): chr17:78,123,984, A>G on the plus strand (T>C on the coding strand, the complement: TMC6 is on the minus strand). VCF-style: chr17-78123984-A-G. GRCh37 (hg19) VCF-style: chr17-76120065-A-G.
Other names: c.1082+5T>C (NM_001374594.1, NM_001374596.1, NM_001374593.1 and 4 more transcripts).
Identifiers: ClinVar variation 1165516 (VCV001165516.21), dbSNP rs2613522, ClinGen allele CA8795891.
Genomic context (GRCh38, chr17:78,123,984, plus strand): 5'-GGGTCGAAAGATGAATGGATGGATGAGTGGAGCTCGGAGCCTGGGTCATGAGGTGGAGGC[A>G]TTACCTGTACACCAGGGTGATGCAGGTGATAAAGAAGCTCACGCCCACAGTGGAGAGGTA-3'

ClinVar aggregate classification (germline): Benign. Review status: criteria provided, multiple submitters, no conflicts (2 of 4 stars). 7 submissions from 7 submitters: Benign (5). 2 of the submissions do not count toward it. Last evaluated 2026-02-04.

Conditions:
Epidermodysplasia verruciformis. Identifiers: Orphanet 302, MedGen C0014522, MONDO:0009176.

Allele frequency attached by ClinVar (database versions not stated): gnomAD exomes 0.30067 and 0.34421; ExAC 0.34841; ESP Exome Variant Server 0.39097; gnomAD 0.39238 and 0.39382; TOPMed 0.40668; 1000 Genomes Project 0.47364; 1000 Genomes Project 30x 0.47767.
gnomAD v4.1: 501,006 of 1,613,310 alleles (31%); highest among the groups gnomAD compares: African/African-American, 62%; 84,196 homozygotes.

Submissions (7):

Labcorp Genetics (formerly Invitae), Labcorp
Classification: Benign for Epidermodysplasia verruciformis. Last evaluated: 2026-02-04. Review status: criteria provided, single submitter. Criteria: Invitae Variant Classification Sherloc (09022015). Collection method: clinical testing. Allele origin: germline.

Blueprint Genetics
Classification: Benign. Last evaluated: 2024-11-28. Review status: criteria provided, single submitter. Criteria: ACMG Guidelines, 2015. Collection method: clinical testing. Allele origin: germline.

Unidad de Genómica Garrahan, Hospital de Pediatría Garrahan
Classification: Benign. Last evaluated: 2024-01-24. Review status: criteria provided, single submitter. Criteria: ACMG Guidelines, 2015. Collection method: clinical testing. Allele origin: germline. Affected: no. Observed: 50 variant alleles.
Comment: This variant is classified as Benign based on local population frequency. This variant was detected in 57% of patients studied by a panel of primary immunodeficiencies. Number of patients: 50. Only high quality variants are reported.

GeneDx
Classification: Benign. Last evaluated: 2018-07-09. Review status: criteria provided, single submitter. Criteria: GeneDx Variant Classification Process June 2021. Collection method: clinical testing. Allele origin: germline. Affected: yes.

Breakthrough Genomics
Classification: Benign. Review status: criteria provided, single submitter. Criteria: ACMG Guidelines, 2015. Collection method: not provided. Allele origin: germline. Inheritance: Autosomal recessive inheritance. Affected: yes.

Diagnostic Laboratory, Department of Genetics, University Medical Center Groningen
Classification: Benign. Review status: no assertion criteria provided. Collection method: clinical testing. Allele origin: germline. Affected: yes. Study: VKGL Data-share Consensus. Not counted in ClinVar's aggregate classification.

Joint Genome Diagnostic Labs from Nijmegen and Maastricht, Radboudumc and MUMC+
Classification: Benign. Review status: no assertion criteria provided. Collection method: clinical testing. Allele origin: germline. Affected: yes. Study: VKGL Data-share Consensus. Not counted in ClinVar's aggregate classification.